The following is an entry in ClinVar:

ClinVar aggregate classification (germline): Likely pathogenic. Review status: reviewed by expert panel (3 of 4 stars). 17 submissions from 17 submitters: Likely pathogenic (1). 16 of the submissions do not count toward it. Last evaluated 2025-01-09.

Conditions:
Autosomal recessive limb-girdle muscular dystrophy. Identifiers: Orphanet 102015, MedGen C2931907, MONDO:0015152.
SGCA-related disorder. Also called: SGCA-related condition.
Autosomal recessive limb-girdle muscular dystrophy type 2D (LGMDR3). Also called: MUSCULAR DYSTROPHY, LIMB-GIRDLE, AUTOSOMAL RECESSIVE 3; ADHALINOPATHY, PRIMARY; DUCHENNE-LIKE AUTOSOMAL RECESSIVE MUSCULAR DYSTROPHY, TYPE 2. Identifiers: Orphanet 62, MedGen C2936332, MONDO:0011968, OMIM 608099. Disease mechanism: Affects gamma-sarcoglycan and also disrupts the integrity of the entire sarcoglycan complex..

Allele frequency attached by ClinVar (database versions not stated): ESP Exome Variant Server 0.00015; 1000 Genomes Project 30x 0.00016; TOPMed 0.00002; 1000 Genomes Project 0.00020; gnomAD 0.00001; ExAC 0.00002.
gnomAD v4.1: 25 of 1,614,160 alleles (0.0015%); highest among the groups gnomAD compares: Middle Eastern, 0.016%; no homozygotes.

Submissions (17):

ClinGen Limb Girdle Muscular Dystrophy Variant Curation Expert Panel, ClinGen
Classification: Likely pathogenic for Autosomal recessive limb-girdle muscular dystrophy. Last evaluated: 2025-01-09. Review status: reviewed by expert panel. Criteria: ClinGen LGMD VCEP ACMG Specifications SGCA V1.0.0. Collection method: curation. Allele origin: germline. Inheritance: Autosomal recessive inheritance.
Comment: The NM_000023.4: c.101G>A variant in SGCA is a missense variant predicted to cause substitution of arginine by histidine at amino acid 34 (p.Arg34His). This variant has been detected in at least two individuals with autosomal recessive limb girdle muscular dystrophy. Of those individuals, one was compound heterozygous for the variant and a pathogenic or likely pathogenic variant (p.Arg77Cys, 1.0 pt, PMID: 18285821) (PM3). At least one patient with this variant and a second presumed diagnostic SGCA variant displayed progressive limb girdle muscle weakness as well as significantly reduced or absent expression of alpha-sarcoglycan protein, which is highly specific for SGCA-related LGMD (PP4_Strong; PMID: 1828582). The filtering allele frequency of this variant is 0.000023 (the upper threshold of the 95% CI of 6/113724 exome chromosomes) in the European (non-Finnish) population in gnomAD v2.1.1, which is lower than the ClinGen LGMD VCEP threshold (0.00009) for PM2_Supporting and therefore meets this criterion (PM2_Supporting). The computational predictor REVEL gives a score of 0.708, which is above the threshold of 0.7, evidence that correlates with impact to SGCA function (PP3). In summary, this variant meets the criteria to be classified as Likely Pathogenic for autosomal recessive limb girdle muscular dystrophy based on the ACMG/AMP criteria applied, as specified by the ClinGen LGMD VCEP (LGMD VCEP specifications version 1.0.0; 01/09/2025): PP4_Strong, PM2_Supporting, PM3, PP3.

CeGaT Center for Human Genetics Tuebingen
Classification: Pathogenic. Last evaluated: 2025-12-01. Review status: criteria provided, single submitter. Criteria: CeGaT Center For Human Genetics Tuebingen Variant Classification Criteria Version 2. Collection method: clinical testing. Allele origin: germline. Affected: yes. Observed: 4 variant alleles. Not counted in ClinVar's aggregate classification.
Comment: SGCA: PM3:Very Strong, PM5, PM2:Supporting, PS3:Supporting

Labcorp Genetics (formerly Invitae), Labcorp
Classification: Pathogenic for Autosomal recessive limb-girdle muscular dystrophy type 2D. Last evaluated: 2025-11-16. Review status: criteria provided, single submitter. Criteria: Invitae Variant Classification Sherloc (09022015). Collection method: clinical testing. Allele origin: germline. Not counted in ClinVar's aggregate classification.
Comment: This sequence change replaces arginine, which is basic and polar, with histidine, which is basic and polar, at codon 34 of the SGCA protein (p.Arg34His). This variant is present in population databases (rs371675217, gnomAD 0.006%). This missense change has been observed in individuals with limb-girdle muscular dystrophy (PMID: 7663524, 9032047, 26944168). It has also been observed to segregate with disease in related individuals. ClinVar contains an entry for this variant (Variation ID: 92301). Invitae Evidence Modeling of protein sequence and biophysical properties (such as structural, functional, and spatial information, amino acid conservation, physicochemical variation, residue mobility, and thermodynamic stability) indicates that this missense variant is expected to disrupt SGCA protein function with a positive predictive value of 95%. Experimental studies have shown that this missense change affects SGCA function (PMID: 22095924). For these reasons, this variant has been classified as Pathogenic.

Natera, Inc.
Classification: Pathogenic for Limb-girdle muscular dystrophy type 2D. Last evaluated: 2025-10-21. Review status: criteria provided, single submitter. Criteria: Natera Variant Classification Schema (03/2026). Collection method: clinical testing. Allele origin: germline. Not counted in ClinVar's aggregate classification.
Comment: The c.101G>A variant in SGCA is a missense variant predicted to cause substitution of arginine to histidine at amino acid 34. This variant is rare in the general population with a frequency below the threshold expected for the associated phenotype(s). This variant has been observed in one or more individuals affected with the associated recessive disease, as either homozygous or compound heterozygous with a second variant (PMID: 7663524, 20623375, 30764848, 9032047, 9192266). Additionally, this variant has been observed to segregate in affected family members (PMID: 20623375). Computational prediction algorithms indicate this variant is likely to affect gene or protein function. Given the available evidence, this variant is classified as Pathogenic.

Revvity Omics, Revvity
Classification: Pathogenic for Autosomal recessive limb-girdle muscular dystrophy type 2D. Last evaluated: 2025-04-18. Review status: criteria provided, single submitter. Criteria: ACMG Guidelines, 2015. Collection method: clinical testing. Allele origin: germline. Not counted in ClinVar's aggregate classification.

Institute of Human Genetics, University of Leipzig Medical Center
Classification: Pathogenic for Autosomal recessive limb-girdle muscular dystrophy type 2D. Last evaluated: 2024-08-08. Review status: criteria provided, single submitter. Criteria: ACMG Guidelines, 2015. Collection method: clinical testing. Allele origin: unknown. Inheritance: Autosomal recessive inheritance. Affected: yes. Not counted in ClinVar's aggregate classification.
Comment: Criteria applied: PS4,PM5_STR,PM3,PM2_SUP

GeneDx
Classification: Pathogenic. Last evaluated: 2024-07-31. Review status: criteria provided, single submitter. Criteria: GeneDx Variant Classification Process June 2021. Collection method: clinical testing. Allele origin: germline. Affected: yes. Not counted in ClinVar's aggregate classification.
Comment: Published functional studies demonstrate defective intracellular trafficking of the sarcoglycan proteins (PMID: 22095924); In silico analysis indicates that this missense variant does not alter protein structure/function; Not observed at significant frequency in large population cohorts (gnomAD); This variant is associated with the following publications: (PMID: 9153448, 7663524, 9032047, 9192266, 18285821, 30919934, 31130284, 31127727, 31589614, 19781108, 37644014, 37526466, 35416532, 22095924)

Blueprint Genetics
Classification: Pathogenic for SGCA-related disorders. Last evaluated: 2024-07-19. Review status: criteria provided, single submitter. Criteria: ACMG Guidelines, 2015. Collection method: clinical testing. Allele origin: germline. Affected: yes. Observed: 5 variant alleles. Not counted in ClinVar's aggregate classification.

Genomic Medicine Center of Excellence, King Faisal Specialist Hospital and Research Centre
Classification: Pathogenic for Autosomal recessive limb-girdle muscular dystrophy type 2D. Last evaluated: 2024-03-17. Review status: criteria provided, single submitter. Criteria: ACMG Guidelines, 2015. Collection method: research. Allele origin: germline. Not counted in ClinVar's aggregate classification.

Genome-Nilou Lab
Classification: Pathogenic for Autosomal recessive limb-girdle muscular dystrophy type 2D. Last evaluated: 2023-02-08. Review status: criteria provided, single submitter. Criteria: ACMG Guidelines, 2015. Collection method: clinical testing. Allele origin: germline. Not counted in ClinVar's aggregate classification.

Athena Diagnostics
Classification: Pathogenic. Last evaluated: 2021-07-27. Review status: criteria provided, single submitter. Criteria: Athena Diagnostics Criteria. Collection method: clinical testing. Allele origin: unknown. Not counted in ClinVar's aggregate classification.
Comment: The frequency of this variant in the general population is consistent with pathogenicity. This variant has been identified in at least one individual with clinical features associated with this gene. Assessment of experimental evidence suggests this variant results in abnormal protein function. This variant was shown to interfere with membrane localization of the protein (PMID 22095924). In multiple individuals, this variant has been seen with a single recessive pathogenic variant in the same gene, suggesting this variant may also be pathogenic.

Genomic Research Center, Shahid Beheshti University of Medical Sciences
Classification: Pathogenic for Autosomal recessive limb-girdle muscular dystrophy type 2D. Last evaluated: 2020-05-03. Review status: criteria provided, single submitter. Criteria: ACMG Guidelines, 2015. Collection method: clinical testing. Allele origin: unknown. Affected: yes. Not counted in ClinVar's aggregate classification.

Eurofins Ntd Llc (ga)
Classification: Pathogenic. Last evaluated: 2015-12-15. Review status: criteria provided, single submitter. Criteria: EGL Classification Definitions. Collection method: clinical testing. Allele origin: germline. Observed: 4 variant alleles, 3 heterozygotes, 1 homozygote. Not counted in ClinVar's aggregate classification.

Genetic Services Laboratory, University of Chicago
Classification: Pathogenic for Muscular dystrophy, limb-girdle, type 2D. Last evaluated: 2015-01-20. Review status: criteria provided, single submitter. Criteria: ACMG Guidelines, 2015. Collection method: clinical testing. Allele origin: germline. Affected: yes. Not counted in ClinVar's aggregate classification.

Counsyl
Classification: Pathogenic for Autosomal recessive limb-girdle muscular dystrophy type 2D. Last evaluated: 2016-07-21. Review status: no assertion criteria provided. Collection method: clinical testing. Allele origin: unknown. Not counted in ClinVar's aggregate classification.

Joint Genome Diagnostic Labs from Nijmegen and Maastricht, Radboudumc and MUMC+
Classification: Pathogenic. Review status: no assertion criteria provided. Collection method: clinical testing. Allele origin: germline. Affected: yes. Study: VKGL Data-share Consensus. Not counted in ClinVar's aggregate classification.

Laboratory of Diagnostic Genome Analysis, Leiden University Medical Center (LUMC)
Classification: Pathogenic. Review status: no assertion criteria provided. Collection method: clinical testing. Allele origin: germline. Affected: yes. Study: VKGL Data-share Consensus. Not counted in ClinVar's aggregate classification.

Literature cited by the submitters: PubMed 7663524 (cited by 4 submitters); PubMed 9032047 (cited by 4 submitters); PubMed 26944168 (cited by Labcorp Genetics (formerly Invitae), Labcorp); PubMed 22095924 (cited by 3 submitters); PubMed 20623375 (cited by Natera, Inc. and Athena Diagnostics); PubMed 30764848 (cited by Natera, Inc. and Athena Diagnostics); PubMed 9192266 (cited by 3 submitters); PubMed 10942431 (cited by Athena Diagnostics); PubMed 18285821 (cited by Athena Diagnostics and Counsyl); PubMed 9153448 (cited by Athena Diagnostics and Counsyl); PubMed 30838351 (cited by Athena Diagnostics); PubMed 31061434 (cited by Athena Diagnostics); PubMed 33386810 (cited by Athena Diagnostics); PubMed 28687063 (cited by Athena Diagnostics); PubMed 31127727 (cited by Athena Diagnostics); PubMed 30919934 (cited by Athena Diagnostics); PubMed 31130284 (cited by Athena Diagnostics).

NM_000023.4(SGCA):c.101G>A (p.Arg34His)

Gene: SGCA (sarcoglycan alpha; plus strand). Cytogenetic location: 17q21.33.
Variant type: single nucleotide variant.
Coding change: c.101G>A on transcript NM_000023.4 (MANE Select); coding-DNA position 101, G replaced by A.
Protein change: p.Arg34His; replaces arginine 34 with histidine.
Molecular consequence: missense variant. On other transcripts: non-coding transcript variant (1).
Genome position (GRCh38, 1-based): chr17:50,167,431, G>A. VCF-style: chr17-50167431-G-A. GRCh37 (hg19) VCF-style: chr17-48244792-G-A.
Other names: NM_000023.4(SGCA):c.101G>A; c.101G>A, p.Arg34His (NM_001135697.3); c.101G>A (NM_000023.3); short protein forms R34H.
Identifiers: ClinVar variation 92301 (VCV000092301.88), dbSNP rs371675217, ClinGen allele CA199071.